The following is an entry in ClinVar:

ClinVar aggregate classification (germline): Uncertain significance (1 of 4 stars; one submission).

Allele frequency attached by ClinVar (database versions not stated): gnomAD exomes below 0.00001 and 0.00001; ExAC 0.00001.
gnomAD v4.1: 5 of 1,612,944 alleles (0.00031%); highest among the groups gnomAD compares: Admixed American, 0.0067%; no homozygotes.

Submission:

Labcorp Genetics (formerly Invitae), Labcorp
Classification: Uncertain significance. Last evaluated: 2022-07-26. Review status: criteria provided, single submitter. Criteria: Invitae Variant Classification Sherloc (09022015). Collection method: clinical testing. Allele origin: germline.
Comment: In summary, the available evidence is currently insufficient to determine the role of this variant in disease. Therefore, it has been classified as a Variant of Uncertain Significance. Algorithms developed to predict the effect of missense changes on protein structure and function (SIFT, PolyPhen-2, Align-GVGD) all suggest that this variant is likely to be disruptive. ClinVar contains an entry for this variant (Variation ID: 1467127). This sequence change replaces aspartic acid, which is acidic and polar, with glycine, which is neutral and non-polar, at codon 189 of the DYNC2LI1 protein (p.Asp189Gly). This variant is present in population databases (rs778471864, gnomAD 0.006%). This variant has not been reported in the literature in individuals affected with DYNC2LI1-related conditions.

NM_016008.4(DYNC2LI1):c.566A>G (p.Asp189Gly)

Gene: DYNC2LI1 (dynein cytoplasmic 2 light intermediate chain 1; plus strand). Cytogenetic location: 2p21.
Variant type: single nucleotide variant.
Coding change: c.566A>G on transcript NM_016008.4 (MANE Select); coding-DNA position 566, A replaced by G.
Protein change: p.Asp189Gly; replaces aspartic acid 189 with glycine.
Molecular consequence: missense variant.
Genome position (GRCh38, 1-based): chr2:43,795,948, A>G. VCF-style: chr2-43795948-A-G. GRCh37 (hg19) VCF-style: chr2-44023087-A-G.
Other names: c.569A>G, p.Asp190Gly (NM_001193464.2, NM_001348913.2); c.566A>G, p.Asp189Gly (NM_001348912.2); short protein forms D189G, D190G.
Identifiers: ClinVar variation 1467127 (VCV001467127.8), dbSNP rs778471864, ClinGen allele CA1635902.